The following is an entry in ClinVar:

NM_001083116.3(PRF1):c.1610_1611del (p.Tyr537fs)

Gene: PRF1 (perforin 1; minus strand). Cytogenetic location: 10q22.1.
Variant type: Deletion.
Coding change: c.1610_1611del on transcript NM_001083116.3 (MANE Select); coding-DNA positions 1610 to 1611, 2 bases deleted (AT; older notation c.1610_1611delAT).
Protein change: p.Tyr537fs; shifts the reading frame from tyrosine 537.
Molecular consequence: frameshift variant.
Genome position (GRCh38, 1-based): chr10:70,598,110-70,598,111, AT deleted on the plus strand (AT on the coding strand, the reverse complement: PRF1 is on the minus strand); deleting any 2 consecutive bases within chr10:70,598,110-70,598,112 gives the same sequence; the c. name uses the placement nearest the transcript's 3' end. VCF-style (leftmost placement, unchanged base first): chr10-70598109-CAT-C. GRCh37 (hg19) VCF-style: chr10-72357865-CAT-C.
Other names: c.1610_1611del, p.Tyr537fs (NM_005041.6); short protein forms Y537fs.
Identifiers: ClinVar variation 2853628 (VCV002853628.3), dbSNP rs2493481752, ClinGen allele CA2739275769.

ClinVar aggregate classification (germline): Likely pathogenic (1 of 4 stars; one submission).

Conditions:
Familial hemophagocytic lymphohistiocytosis 2 (FHL2). Also called: PRF1-Related Familial Hemophagocytic Lymphohistiocytosis (PRF1-fHLH). Identifiers: Orphanet 540, MedGen C1863727, MONDO:0011337, OMIM 603553.

Submission:

Labcorp Genetics (formerly Invitae), Labcorp
Classification: Likely pathogenic for Familial hemophagocytic lymphohistiocytosis 2. Last evaluated: 2023-04-08. Review status: criteria provided, single submitter. Criteria: Invitae Variant Classification Sherloc (09022015). Collection method: clinical testing. Allele origin: germline.
Comment: This variant has not been reported in the literature in individuals affected with PRF1-related conditions. This variant disrupts the C-terminus of the PRF1 protein. Other variant(s) that disrupt this region (p.Glu545Glyfs*41, p.Pro546Leufs*6, p.Met541Cysfs*71) have been observed in individuals with PRF1-related conditions (PMID: 14757862, 31664448). This suggests that this may be a clinically significant region of the protein. In summary, the currently available evidence indicates that the variant is pathogenic, but additional data are needed to prove that conclusively. Therefore, this variant has been classified as Likely Pathogenic. This sequence change results in a frameshift in the PRF1 gene (p.Tyr537Cysfs*48). While this is not anticipated to result in nonsense mediated decay, it is expected to disrupt the last 19 amino acid(s) of the PRF1 protein and extend the protein by 28 additional amino acid residues. This variant is not present in population databases (gnomAD no frequency).

Literature cited by the submitters: PubMed 14757862; PubMed 31664448.